The following is an entry in ClinVar:

NM_005554.4(KRT6A):c.262G>A (p.Gly88Arg)

Gene: KRT6A (keratin 6A; minus strand). Cytogenetic location: 12q13.13.
Variant type: single nucleotide variant.
Coding change: c.262G>A on transcript NM_005554.4 (MANE Select); coding-DNA position 262, G replaced by A.
Protein change: p.Gly88Arg; replaces glycine 88 with arginine.
Molecular consequence: missense variant.
Genome position (GRCh38, 1-based): chr12:52,492,927, C>T on the plus strand (G>A on the coding strand, the complement: KRT6A is on the minus strand). VCF-style: chr12-52492927-C-T. GRCh37 (hg19) VCF-style: chr12-52886711-C-T.
Other names: short protein forms G88R.
Identifiers: ClinVar variation 3116563 (VCV003116563.5), dbSNP rs201156103, ClinGen allele CA6582310.

ClinVar aggregate classification (germline): Conflicting classifications of pathogenicity. Review status: criteria provided, conflicting classifications (1 of 4 stars). 2 submissions from 2 submitters: Uncertain significance (1); Likely benign (1). Last evaluated 2026-03-01.

Conditions:
Inborn genetic diseases. Identifiers: MedGen C0950123, MeSH D030342.

Allele frequency attached by ClinVar (database versions not stated): 1000 Genomes Project 30x 0.00016; gnomAD 0.00019; ExAC 0.00057.

Submissions (2):

CeGaT Center for Human Genetics Tuebingen
Classification: Likely benign. Last evaluated: 2026-03-01. Review status: criteria provided, single submitter. Criteria: CeGaT Center For Human Genetics Tuebingen Variant Classification Criteria Version 2. Collection method: clinical testing. Allele origin: germline. Affected: yes. Observed: 1 variant allele.
Comment: KRT6A: BP4

Ambry Genetics
Classification: Uncertain significance for Inborn genetic diseases. Last evaluated: 2023-12-19. Review status: criteria provided, single submitter. Criteria: Ambry Variant Classification Scheme 2023. Collection method: clinical testing. Allele origin: germline.